The following is an entry in ClinVar:

NM_004208.4(AIFM1):c.214A>G (p.Ile72Val)

Genes: AIFM1 (apoptosis inducing factor mitochondria associated 1; minus strand), RAB33A (RAB33A, member RAS oncogene family; plus strand). Cytogenetic location: Xq26.1.
Variant type: single nucleotide variant.
Coding change: c.214A>G on transcript NM_004208.4 (MANE Select); coding-DNA position 214, A replaced by G.
Protein change: p.Ile72Val; replaces isoleucine 72 with valine.
Molecular consequence: missense variant. On other transcripts: intron variant (1).
Genome position (GRCh38, 1-based): chrX:130,156,496, T>C on the plus strand (A>G on the coding strand, the complement: AIFM1 is on the minus strand). VCF-style: chrX-130156496-T-C. GRCh37 (hg19) VCF-style: chrX-129290470-T-C.
Other names: c.214A>G, p.Ile72Val (NM_001130847.4); c.107-1210A>G (NM_145812.3); short protein forms I72V.
Identifiers: ClinVar variation 1489993 (VCV001489993.8), dbSNP rs2124673756, ClinGen allele CA414593753.

ClinVar aggregate classification (germline): Uncertain significance (1 of 4 stars; one submission).

Conditions:
Charcot-Marie-Tooth Neuropathy X. Identifiers: MedGen CN118851.
Combined oxidative phosphorylation deficiency. Identifiers: MedGen C4540031, MONDO:0000732.

Allele frequency attached by ClinVar (database versions not stated): gnomAD exomes below 0.00001.
gnomAD v4.1: 1 of 1,211,711 alleles (0.000083%); highest among the groups gnomAD compares: Non-Finnish European, 0.00011%; no homozygotes.

Submission:

Labcorp Genetics (formerly Invitae), Labcorp
Classification: Uncertain significance for Charcot-Marie-Tooth Neuropathy X; Combined oxidative phosphorylation deficiency. Last evaluated: 2021-05-09. Review status: criteria provided, single submitter. Criteria: Invitae Variant Classification Sherloc (09022015). Collection method: clinical testing. Allele origin: germline.
Comment: This sequence change replaces isoleucine with valine at codon 72 of the AIFM1 protein (p.Ile72Val). The isoleucine residue is moderately conserved and there is a small physicochemical difference between isoleucine and valine. In summary, the available evidence is currently insufficient to determine the role of this variant in disease. Therefore, it has been classified as a Variant of Uncertain Significance. Algorithms developed to predict the effect of missense changes on protein structure and function output the following: SIFT: "Tolerated"; PolyPhen-2: "Benign"; Align-GVGD: "Class C0". The valine amino acid residue is found in multiple mammalian species, suggesting that this missense change does not adversely affect protein function. These predictions have not been confirmed by published functional studies and their clinical significance is uncertain. This variant has not been reported in the literature in individuals with AIFM1-related conditions. This variant is not present in population databases (ExAC no frequency).